The following is an entry in ClinVar:

ClinVar aggregate classification (germline): Likely pathogenic. Review status: criteria provided, multiple submitters, no conflicts (2 of 4 stars). 2 submissions from 2 submitters: Likely pathogenic (2). Last evaluated 2025-01-30.

Conditions:
3-Methylglutaconic aciduria type 3 (MGCA3). Also called: Costeff Syndrome; OPA3, AUTOSOMAL RECESSIVE; OPTIC ATROPHY 3, AUTOSOMAL RECESSIVE; OPA3-Related 3-Methylglutaconic Aciduria. Identifiers: Orphanet 67047, MedGen C0574084, MONDO:0009787, OMIM 258501.
Optic atrophy 3 (OPA3). Also called: OPTIC ATROPHY 3, AUTOSOMAL DOMINANT; Optic atrophy, cataract, and neurologic disorder; Optic atrophy 3 with cataract. Identifiers: Orphanet 67036, MedGen C1833809, MONDO:0008133, OMIM 165300.

Allele frequency attached by ClinVar (database versions not stated): gnomAD exomes below 0.00001; TOPMed 0.00001.

Submissions (2):

Natera, Inc.
Classification: Likely pathogenic for 3-methylglutaconic aciduria type 3. Last evaluated: 2025-01-30. Review status: criteria provided, single submitter. Criteria: Natera Variant Classification Schema (03/2026). Collection method: clinical testing. Allele origin: germline.
Comment: The c.1A>G variant in OPA3 is predicted to result in start loss due to disruption of the initiator methionine. This variant may result in a truncated or dysfunctional protein product. This variant is rare in the general population with a frequency below the threshold expected for the associated phenotype(s). This variant has been observed in one or more individuals affected with the associated recessive disease, as either homozygous or compound heterozygous with a second variant (PMID: 24749080). Additionally, this variant has been observed to segregate in affected family members (PMID: 24749080). Given the available evidence, this variant is classified as Likely Pathogenic.

Labcorp Genetics (formerly Invitae), Labcorp
Classification: Likely pathogenic for 3-Methylglutaconic aciduria type 3; Optic atrophy 3. Last evaluated: 2020-01-26. Review status: criteria provided, single submitter. Criteria: Invitae Variant Classification Sherloc (09022015). Collection method: clinical testing. Allele origin: germline.
Comment: This sequence change affects the initiator methionine of the OPA3 mRNA. The next in-frame methionine is located at codon 8. This variant is not present in population databases (ExAC no frequency). This variant has been observed in individual(s) with OPA3-related disease (PMID: 24749080, 25205859). Algorithms developed to predict the effect of sequence changes on RNA splicing suggest that this variant may create or strengthen a splice site, but this prediction has not been confirmed by published transcriptional studies. In summary, the currently available evidence indicates that the variant is pathogenic, but additional data are needed to prove that conclusively. Therefore, this variant has been classified as Likely Pathogenic.

Literature cited by the submitters: PubMed 24749080 (cited by Natera, Inc. and Labcorp Genetics (formerly Invitae), Labcorp); PubMed 25205859 (cited by Labcorp Genetics (formerly Invitae), Labcorp).

NM_025136.4(OPA3):c.1A>G (p.Met1Val)

Genes: OPA3-RTN2 (OPA3-RTN2 readthrough; minus strand), OPA3 (outer mitochondrial membrane lipid metabolism regulator OPA3; minus strand), LOC130064709 (ATAC-STARR-seq lymphoblastoid active region 14802; plus strand). Cytogenetic location: 19q13.32.
Variant type: single nucleotide variant.
Coding change: c.1A>G on transcript NM_025136.4 (MANE Select); coding-DNA position 1, A replaced by G.
Protein change: p.Met1Val; changes the start codon (methionine 1).
Molecular consequence: missense variant, initiator codon variant.
Genome position (GRCh38, 1-based): chr19:45,584,764, T>C on the plus strand (A>G on the coding strand, the complement: OPA3 is on the minus strand). VCF-style: chr19-45584764-T-C. GRCh37 (hg19) VCF-style: chr19-46088022-T-C.
Other names: c.1A>G (NM_025136.3); c.1A>G, p.Met1Val (NM_001017989.3); short protein forms M1V.
Identifiers: ClinVar variation 1067581 (VCV001067581.10), dbSNP rs1230629432, ClinGen allele CA406379104.